The following is an entry in ClinVar:

NM_000414.4(HSD17B4):c.1767+5G>A

Gene: HSD17B4 (hydroxysteroid 17-beta dehydrogenase 4; plus strand). Cytogenetic location: 5q23.1.
Variant type: single nucleotide variant.
Coding change: c.1767+5G>A on transcript NM_000414.4 (MANE Select); 5 bases into the intron after coding-DNA position 1767, G replaced by A.
Molecular consequence: intron variant.
Genome position (GRCh38, 1-based): chr5:119,527,224, G>A. VCF-style: chr5-119527224-G-A. GRCh37 (hg19) VCF-style: chr5-118862919-G-A.
Other names: c.1356+5G>A (NM_001374503.1, NM_001374502.1, NM_001374501.1); c.1842+5G>A (NM_001199291.3); c.1440+5G>A (NM_001374499.1); c.1326+5G>A (NM_001374500.1); c.1347+5G>A (NM_001292028.2); c.1695+5G>A (NM_001292027.2, NM_001374498.1); c.1758+5G>A (NM_001374497.1); c.1713+5G>A (NM_001199292.2).
Identifiers: ClinVar variation 1397645 (VCV001397645.7), dbSNP rs1753684353, ClinGen allele CA1577044879.

ClinVar aggregate classification (germline): Uncertain significance. Review status: criteria provided, multiple submitters, no conflicts (2 of 4 stars). 2 submissions from 2 submitters: Uncertain significance (2). Last evaluated 2024-06-04.

Conditions:
Bifunctional peroxisomal enzyme deficiency (DBIF). Also called: DBP DEFICIENCY; PBFE DEFICIENCY; D-bifunctional protein deficiency. Identifiers: Orphanet 300, MedGen C0342870, MONDO:0009855, OMIM 261515. Disease mechanism: loss of function.
Perrault syndrome. Also called: Gonadal dysgenesis with auditory dysfunction, autosomal recessive inheritance. Identifiers: Orphanet 2855, MedGen C0685838, MONDO:0017312.

Allele frequency attached by ClinVar (database versions not stated): gnomAD exomes below 0.00001; TOPMed below 0.00001.
gnomAD v4.1: 2 of 1,579,356 alleles (0.00013%); highest among the groups gnomAD compares: Non-Finnish European, 0.00017%; no homozygotes.

Submissions (2):

GeneDx
Classification: Uncertain significance. Last evaluated: 2024-06-04. Review status: criteria provided, single submitter. Criteria: GeneDx Variant Classification Process June 2021. Collection method: clinical testing. Allele origin: germline. Affected: yes.
Comment: Not observed in large population cohorts (gnomAD); In silico analysis indicates that this variant does not alter splicing; Has not been previously published as pathogenic or benign to our knowledge

Labcorp Genetics (formerly Invitae), Labcorp
Classification: Uncertain significance for Perrault syndrome; Bifunctional peroxisomal enzyme deficiency. Last evaluated: 2022-07-25. Review status: criteria provided, single submitter. Criteria: Invitae Variant Classification Sherloc (09022015). Collection method: clinical testing. Allele origin: germline.
Comment: In summary, the available evidence is currently insufficient to determine the role of this variant in disease. Therefore, it has been classified as a Variant of Uncertain Significance. Variants that disrupt the consensus splice site are a relatively common cause of aberrant splicing (PMID: 17576681, 9536098). Algorithms developed to predict the effect of sequence changes on RNA splicing suggest that this variant is not likely to affect RNA splicing. ClinVar contains an entry for this variant (Variation ID: 1397645). This variant has not been reported in the literature in individuals affected with HSD17B4-related conditions. This variant is not present in population databases (gnomAD no frequency). This sequence change falls in intron 20 of the HSD17B4 gene. It does not directly change the encoded amino acid sequence of the HSD17B4 protein. It affects a nucleotide within the consensus splice site.

Literature cited by the submitters: PubMed 17576681 (cited by Labcorp Genetics (formerly Invitae), Labcorp); PubMed 9536098 (cited by Labcorp Genetics (formerly Invitae), Labcorp).